The following is an entry in ClinVar:

ClinVar aggregate classification (germline): Conflicting classifications of pathogenicity. Review status: criteria provided, conflicting classifications (1 of 4 stars). 6 submissions from 6 submitters: Uncertain significance (2); Likely benign (4). Last evaluated 2026-01-18.

Conditions:
Adams-Oliver syndrome 5 (AOS5). Identifiers: Orphanet 974, MedGen C4014970, MONDO:0014459, OMIM 616028.
Familial thoracic aortic aneurysm and aortic dissection (TAAD). Also called: Thoracic aortic aneurysms and dissections. Identifiers: Orphanet 91387, MedGen C4707243, MONDO:0019625.

Submissions (6):

Labcorp Genetics (formerly Invitae), Labcorp
Classification: Uncertain significance for Adams-Oliver syndrome 5. Last evaluated: 2026-01-18. Review status: criteria provided, single submitter. Criteria: Invitae Variant Classification Sherloc (09022015). Collection method: clinical testing. Allele origin: germline.
Comment: This sequence change replaces alanine, which is neutral and non-polar, with valine, which is neutral and non-polar, at codon 6 of the NOTCH1 protein (p.Ala6Val). This variant is present in population databases (no rsID available, gnomAD 0.02%). This variant has not been reported in the literature in individuals affected with NOTCH1-related conditions. ClinVar contains an entry for this variant (Variation ID: 241120). Experimental studies and prediction algorithms are not available or were not evaluated, and the functional significance of this variant is currently unknown. In summary, the available evidence is currently insufficient to determine the role of this variant in disease. Therefore, it has been classified as a Variant of Uncertain Significance.

Women's Health and Genetics/Laboratory Corporation of America, LabCorp
Classification: Likely benign. Last evaluated: 2025-08-29. Review status: criteria provided, single submitter. Criteria: LabCorp Variant Classification Summary - May 2015. Collection method: clinical testing. Allele origin: germline.
Comment: Variant summary: NOTCH1 c.17_18delinsTT (p.Ala6Val) results in a non-conservative amino acid change in the encoded protein sequence. Algorithms developed to predict the effect of missense changes on protein structure and function are either unavailable or do not agree on the potential impact of this missense change. The variant allele was found at a frequency of 8e-05 in 1359860 control chromosomes in the gnomAD database, including 1 homozygotes. The observed variant frequency exceeds the estimated maximal expected allele frequency for disease-causing variants in NOTCH1. To our knowledge, no occurrence of c.17_18delinsTT in individuals affected with NOTCH1-related conditions and no experimental evidence demonstrating its impact on protein function have been reported. ClinVar contains an entry for this variant (Variation ID: 241120). Based on the evidence outlined above, the variant was classified as likely benign.

ARUP Laboratories, Molecular Genetics and Genomics, ARUP Laboratories
Classification: Likely benign. Last evaluated: 2024-12-17. Review status: criteria provided, single submitter. Criteria: ARUP Molecular Germline Variant Investigation Process 2024. Collection method: clinical testing. Allele origin: germline.

GeneDx
Classification: Likely benign. Last evaluated: 2023-06-07. Review status: criteria provided, single submitter. Criteria: GeneDx Variant Classification Process June 2021. Collection method: clinical testing. Allele origin: germline. Affected: yes.
Comment: See Variant Classification Assertion Criteria.

CHEO Genetics Diagnostic Laboratory, Children's Hospital of Eastern Ontario
Classification: Uncertain significance for Familial thoracic aortic aneurysm and aortic dissection. Last evaluated: 2022-10-04. Review status: criteria provided, single submitter. Criteria: ACMG Guidelines, 2015. Collection method: clinical testing. Allele origin: germline. Study: Canadian Open Genetics Repository.

Ambry Genetics
Classification: Likely benign for Familial thoracic aortic aneurysm and aortic dissection. Last evaluated: 2019-07-10. Review status: criteria provided, single submitter. Criteria: Ambry Variant Classification Scheme 2023. Collection method: clinical testing. Allele origin: germline.

NM_017617.5(NOTCH1):c.17_18delinsTT (p.Ala6Val)

Genes: NOTCH1 (notch receptor 1; minus strand), LOC130003020 (ATAC-STARR-seq lymphoblastoid silent region 20528; plus strand). Cytogenetic location: 9q34.3.
Variant type: Indel.
Coding change: c.17_18delinsTT on transcript NM_017617.5 (MANE Select); coding-DNA positions 17 to 18, CG replaced by TT.
Protein change: p.Ala6Val; replaces alanine 6 with valine.
Molecular consequence: missense variant.
Genome position (GRCh38, 1-based): chr9:136,545,769-136,545,770, CG replaced by AA on the plus strand (CG replaced by TT on the coding strand, the reverse complement: NOTCH1 is on the minus strand). VCF-style: chr9-136545769-CG-AA. GRCh37 (hg19) VCF-style: chr9-139440221-CG-AA.
Other names: c.17_18delinsTT, p.Ala6Val (LRG_1122t1); short protein forms A6V.
Identifiers: ClinVar variation 241120 (VCV000241120.23), dbSNP rs878855023, ClinGen allele CA10582650.